The following is an entry in ClinVar:

ClinVar aggregate classification (germline): Uncertain significance (1 of 4 stars; one submission).

Conditions:
Developmental and epileptic encephalopathy, 1 (DEE1). Also called: X-linked infantile spasms; West's syndrome; Tonic spasms with clustering, arrest of psychomotor development and hypsarrhythmia on EEG; X-Linked Infantile Spasm Syndrome; OHTAHARA SYNDROME, X-LINKED; Epileptic encephalopathy, early infantile, 1. Identifiers: MedGen C3463992, MONDO:0010632, OMIM 308350. Disease mechanism: loss of function.
Autosomal dominant nonsyndromic hearing loss 65. Also called: Deafness, autosomal dominant 65; TBC1D24-Related Autosomal Dominant Nonsyndromic Hearing Loss (DFNA). Identifiers: Orphanet 90635, MedGen C3892048, MONDO:0014470, OMIM 616044.

Submission:

Labcorp Genetics (formerly Invitae), Labcorp
Classification: Uncertain significance for Developmental and epileptic encephalopathy, 1; Autosomal dominant nonsyndromic hearing loss 65. Last evaluated: 2019-10-21. Review status: criteria provided, single submitter. Criteria: Invitae Variant Classification Sherloc (09022015). Collection method: clinical testing. Allele origin: germline.
Comment: In summary, the available evidence is currently insufficient to determine the role of this variant in disease. Therefore, it has been classified as a Variant of Uncertain Significance. Algorithms developed to predict the effect of missense changes on protein structure and function (SIFT, PolyPhen-2, Align-GVGD) all suggest that this variant is likely to be tolerated, but these predictions have not been confirmed by published functional studies and their clinical significance is uncertain. This variant has not been reported in the literature in individuals with TBC1D24-related conditions. This variant is not present in population databases (ExAC no frequency). This sequence change replaces alanine with valine at codon 133 of the TBC1D24 protein (p.Ala133Val). The alanine residue is moderately conserved and there is a small physicochemical difference between alanine and valine.

NM_001199107.2(TBC1D24):c.398C>T (p.Ala133Val)

Gene: TBC1D24 (TBC1 domain family member 24; plus strand). Cytogenetic location: 16p13.3.
Variant type: single nucleotide variant.
Coding change: c.398C>T on transcript NM_001199107.2 (MANE Select); coding-DNA position 398, C replaced by T.
Protein change: p.Ala133Val; replaces alanine 133 with valine.
Molecular consequence: missense variant.
Genome position (GRCh38, 1-based): chr16:2,496,546, C>T. VCF-style: chr16-2496546-C-T. GRCh37 (hg19) VCF-style: chr16-2546547-C-T.
Other names: c.398C>T, p.Ala133Val (NM_020705.3); short protein forms A133V.
Identifiers: ClinVar variation 968688 (VCV000968688.10), dbSNP rs2065741608, ClinGen allele CA394375833.